The following is an entry in ClinVar:

ClinVar aggregate classification (germline): Uncertain significance. Review status: criteria provided, multiple submitters, no conflicts (2 of 4 stars). 3 submissions from 3 submitters: Uncertain significance (3). Last evaluated 2026-04-01.

Allele frequency attached by ClinVar (database versions not stated): gnomAD exomes below 0.00001; TOPMed below 0.00001.
gnomAD v4.1: 1 of 1,613,058 alleles (0.000062%); highest among the groups gnomAD compares: Non-Finnish European, 0.000085%; no homozygotes.

Submissions (3):

CeGaT Center for Human Genetics Tuebingen
Classification: Uncertain significance. Last evaluated: 2026-04-01. Review status: criteria provided, single submitter. Criteria: CeGaT Center For Human Genetics Tuebingen Variant Classification Criteria Version 2. Collection method: clinical testing. Allele origin: germline. Affected: yes. Observed: 1 variant allele.
Comment: COL2A1: PM2

GeneDx
Classification: Uncertain significance. Last evaluated: 2022-11-23. Review status: criteria provided, single submitter. Criteria: GeneDx Variant Classification Process June 2021. Collection method: clinical testing. Allele origin: germline. Affected: yes.
Comment: Not observed at significant frequency in large population cohorts (gnomAD); In silico analysis supports that this missense variant has a deleterious effect on protein structure/function; Has not been previously published as pathogenic or benign to our knowledge

Labcorp Genetics (formerly Invitae), Labcorp
Classification: Uncertain significance. Last evaluated: 2022-07-30. Review status: criteria provided, single submitter. Criteria: Invitae Variant Classification Sherloc (09022015). Collection method: clinical testing. Allele origin: germline.
Comment: This sequence change replaces aspartic acid, which is acidic and polar, with asparagine, which is neutral and polar, at codon 766 of the COL2A1 protein (p.Asp766Asn). This variant is not present in population databases (gnomAD no frequency). This variant has not been reported in the literature in individuals affected with COL2A1-related conditions. Advanced modeling of protein sequence and biophysical properties (such as structural, functional, and spatial information, amino acid conservation, physicochemical variation, residue mobility, and thermodynamic stability) performed at Invitae indicates that this missense variant is not expected to disrupt COL2A1 protein function. In summary, the available evidence is currently insufficient to determine the role of this variant in disease. Therefore, it has been classified as a Variant of Uncertain Significance.

NM_001844.5(COL2A1):c.2296G>A (p.Asp766Asn)

Gene: COL2A1 (collagen type II alpha 1 chain; minus strand). Cytogenetic location: 12q13.11.
Variant type: single nucleotide variant.
Coding change: c.2296G>A on transcript NM_001844.5 (MANE Select); coding-DNA position 2296, G replaced by A.
Protein change: p.Asp766Asn; replaces aspartic acid 766 with asparagine.
Molecular consequence: missense variant.
Genome position (GRCh38, 1-based): chr12:47,982,507, C>T on the plus strand (G>A on the coding strand, the complement: COL2A1 is on the minus strand). VCF-style: chr12-47982507-C-T. GRCh37 (hg19) VCF-style: chr12-48376290-C-T.
Other names: c.2296G>A (NM_001844.4); c.2089G>A, p.Asp697Asn (NM_033150.3); short protein forms D697N, D766N.
Identifiers: ClinVar variation 1960411 (VCV001960411.8), dbSNP rs1449745124, ClinGen allele CA384545891.